The following is an entry in ClinVar:

ClinVar aggregate classification (germline): Likely pathogenic (1 of 4 stars; one submission).

Submission:

Labcorp Genetics (formerly Invitae), Labcorp
Classification: Likely pathogenic. Last evaluated: 2019-03-15. Review status: criteria provided, single submitter. Criteria: Invitae Variant Classification Sherloc (09022015). Collection method: clinical testing. Allele origin: germline.
Comment: This sequence change affects a donor splice site in intron 2 of the SLC4A11 gene. It is expected to disrupt RNA splicing and likely results in an absent or disrupted protein product. This variant is not present in population databases (ExAC no frequency). This variant has not been reported in the literature in individuals with SLC4A11-related conditions. Algorithms developed to predict the effect of sequence changes on RNA splicing suggest that this variant may disrupt the consensus splice site, but this prediction has not been confirmed by published transcriptional studies. Donor and acceptor splice site variants typically lead to a loss of protein function (PMID: 16199547), and loss-of-function variants in SLC4A11 are known to be pathogenic (PMID: 17220209, 17679935). In summary, the currently available evidence indicates that the variant is pathogenic, but additional data are needed to prove that conclusively. Therefore, this variant has been classified as Likely Pathogenic.

Literature cited by the submitters: PubMed 16199547; PubMed 17220209; PubMed 17679935.

NM_001174089.2(SLC4A11):c.241+1G>C

Gene: SLC4A11 (solute carrier family 4 member 11; minus strand). Cytogenetic location: 20p13.
Variant type: single nucleotide variant.
Coding change: c.241+1G>C on transcript NM_001174089.2 (MANE Select); the canonical splice donor site of the intron after coding-DNA position 241, G replaced by C.
Molecular consequence: splice donor variant.
Genome position (GRCh38, 1-based): chr20:3,234,741, C>G on the plus strand (G>C on the coding strand, the complement: SLC4A11 is on the minus strand). VCF-style: chr20-3234741-C-G. GRCh37 (hg19) VCF-style: chr20-3215387-C-G.
Other names: c.184+1G>C (NM_001400277.1, NM_001400278.1, NM_001400279.1); c.241+1G>C (NM_001363745.2); c.370+1G>C (NM_001400280.1, NM_001174090.2); c.289+1G>C (NM_032034.4).
Identifiers: ClinVar variation 861065 (VCV000861065.8), dbSNP rs1233772105, ClinGen allele CA408096097.
Genomic context (GRCh38, chr20:3,234,741, plus strand): 5'-CGAGTCACACCTGCCCAGTCCCGTGCCTTCCCCCAGTCTGCCCCTGCTGCAGCCCCCATA[C>G]CAGTGTTGGTGGCCTGCATCTCAAGGTTGACATTGACAAAAAAACGGATACTCTCGCCAG-3'